The following is an entry in ClinVar:

NM_004523.4(KIF11):c.1676T>C (p.Met559Thr)

Gene: KIF11 (kinesin family member 11; plus strand). Cytogenetic location: 10q23.33.
Variant type: single nucleotide variant.
Coding change: c.1676T>C on transcript NM_004523.4 (MANE Select); coding-DNA position 1676, T replaced by C.
Protein change: p.Met559Thr; replaces methionine 559 with threonine.
Molecular consequence: missense variant.
Genome position (GRCh38, 1-based): chr10:92,632,667, T>C. VCF-style: chr10-92632667-T-C. GRCh37 (hg19) VCF-style: chr10-94392424-T-C.
Other names: short protein forms M559T.
Identifiers: ClinVar variation 4795770 (VCV004795770.1).

ClinVar aggregate classification (germline): Uncertain significance (1 of 4 stars; one submission).

Submission:

GeneDx
Classification: Uncertain significance. Last evaluated: 2025-08-12. Review status: criteria provided, single submitter. Criteria: GeneDx Variant Classification Process June 2021. Collection method: clinical testing. Allele origin: germline. Affected: yes.
Comment: Not observed at significant frequency in large population cohorts (gnomAD); In silico analysis suggests that this missense variant does not alter protein structure/function; Has not been previously published as pathogenic or benign to our knowledge